The following is an entry in ClinVar:

ClinVar aggregate classification (germline): Uncertain significance (1 of 4 stars; one submission).

Conditions:
Dilated cardiomyopathy 1DD (CMD1DD). Identifiers: Orphanet 154, MedGen C2750995, MONDO:0013168, OMIM 613172.

Submission:

Labcorp Genetics (formerly Invitae), Labcorp
Classification: Uncertain significance for Dilated cardiomyopathy 1DD. Last evaluated: 2023-04-07. Review status: criteria provided, single submitter. Criteria: Invitae Variant Classification Sherloc (09022015). Collection method: clinical testing. Allele origin: germline.
Comment: This sequence change replaces aspartic acid, which is acidic and polar, with valine, which is neutral and non-polar, at codon 994 of the RBM20 protein (p.Asp994Val). This variant is not present in population databases (gnomAD no frequency). This variant has not been reported in the literature in individuals affected with RBM20-related conditions. In summary, the available evidence is currently insufficient to determine the role of this variant in disease. Therefore, it has been classified as a Variant of Uncertain Significance. Advanced modeling of protein sequence and biophysical properties (such as structural, functional, and spatial information, amino acid conservation, physicochemical variation, residue mobility, and thermodynamic stability) performed at Invitae indicates that this missense variant is not expected to disrupt RBM20 protein function.

NM_001134363.3(RBM20):c.2981A>T (p.Asp994Val)

Gene: RBM20 (RNA binding motif protein 20; plus strand). Cytogenetic location: 10q25.2.
Variant type: single nucleotide variant.
Coding change: c.2981A>T on transcript NM_001134363.3 (MANE Select); coding-DNA position 2981, A replaced by T.
Protein change: p.Asp994Val; replaces aspartic acid 994 with valine.
Molecular consequence: missense variant.
Genome position (GRCh38, 1-based): chr10:110,821,600, A>T. VCF-style: chr10-110821600-A-T. GRCh37 (hg19) VCF-style: chr10-112581358-A-T.
Other names: short protein forms D994V.
Identifiers: ClinVar variation 2853253 (VCV002853253.3), dbSNP rs2493494321, ClinGen allele CA378378744.